The following is an entry in ClinVar:

NM_000321.3(RB1):c.2307G>T (p.Leu769Phe)

Gene: RB1 (RB transcriptional corepressor 1; plus strand). Cytogenetic location: 13q14.2.
Variant type: single nucleotide variant.
Coding change: c.2307G>T on transcript NM_000321.3 (MANE Select); coding-DNA position 2307, G replaced by T.
Protein change: p.Leu769Phe; replaces leucine 769 with phenylalanine.
Molecular consequence: missense variant.
Genome position (GRCh38, 1-based): chr13:48,465,093, G>T. VCF-style: chr13-48465093-G-T. GRCh37 (hg19) VCF-style: chr13-49039229-G-T.
Other names: c.2307G>T, p.Leu769Phe (NM_001407165.1); short protein forms L769F.
Identifiers: ClinVar variation 3430920 (VCV003430920.3).

ClinVar aggregate classification (germline): Uncertain significance. Review status: criteria provided, multiple submitters, no conflicts (2 of 4 stars). 2 submissions from 2 submitters: Uncertain significance (2). Last evaluated 2025-08-17.

Conditions:
Hereditary cancer-predisposing syndrome. Also called: Neoplastic Syndromes, Hereditary; Tumor predisposition; Hereditary Cancer Syndrome; Hereditary neoplastic syndrome. Identifiers: Orphanet 140162, MedGen C0027672, MeSH D009386, MONDO:0015356.
Retinoblastoma (RB1). Also called: RETINOBLASTOMA, SOMATIC. Identifiers: Orphanet 790, MedGen C0035335, MeSH D012175, MONDO:0008380, OMIM 180200, HP:0009919. Disease mechanism: loss of function. Inheritance: Both sporadic and heritable forms are tested..

Submissions (2):

Labcorp Genetics (formerly Invitae), Labcorp
Classification: Uncertain significance for Retinoblastoma. Last evaluated: 2025-08-17. Review status: criteria provided, single submitter. Criteria: Invitae Variant Classification Sherloc (09022015). Collection method: clinical testing. Allele origin: germline.
Comment: This sequence change replaces leucine, which is neutral and non-polar, with phenylalanine, which is neutral and non-polar, at codon 769 of the RB1 protein (p.Leu769Phe). This variant is not present in population databases (gnomAD no frequency). This variant has not been reported in the literature in individuals affected with RB1-related conditions. ClinVar contains an entry for this variant (Variation ID: 3430920). Invitae Evidence Modeling of protein sequence and biophysical properties (such as structural, functional, and spatial information, amino acid conservation, physicochemical variation, residue mobility, and thermodynamic stability) indicates that this missense variant is expected to disrupt RB1 protein function with a positive predictive value of 80%. In summary, the available evidence is currently insufficient to determine the role of this variant in disease. Therefore, it has been classified as a Variant of Uncertain Significance.

Ambry Genetics
Classification: Uncertain significance for Hereditary cancer-predisposing syndrome. Last evaluated: 2024-11-15. Review status: criteria provided, single submitter. Criteria: Ambry Variant Classification Scheme 2023. Collection method: clinical testing. Allele origin: germline.
Comment: The p.L769F variant (also known as c.2307G>T), located in coding exon 22 of the RB1 gene, results from a G to T substitution at nucleotide position 2307. The leucine at codon 769 is replaced by phenylalanine, an amino acid with highly similar properties. This amino acid position is conserved. In addition, the in silico prediction for this alteration is inconclusive. Based on the available evidence, the clinical significance of this variant remains unclear.